The following is an entry in ClinVar:

NM_002519.3(NPAT):c.1265G>C (p.Ser422Thr)

Gene: NPAT (nuclear protein, coactivator of histone transcription; minus strand). Cytogenetic location: 11q22.3.
Variant type: single nucleotide variant.
Coding change: c.1265G>C on transcript NM_002519.3 (MANE Select); coding-DNA position 1265, G replaced by C.
Protein change: p.Ser422Thr; replaces serine 422 with threonine.
Molecular consequence: missense variant.
Genome position (GRCh38, 1-based): chr11:108,173,719, C>G on the plus strand (G>C on the coding strand, the complement: NPAT is on the minus strand). VCF-style: chr11-108173719-C-G. GRCh37 (hg19) VCF-style: chr11-108044446-C-G.
Other names: c.1265G>C, p.Ser422Thr (NM_001321307.1); short protein forms S422T.
Identifiers: ClinVar variation 1764058 (VCV001764058.3), dbSNP rs2496721992, ClinGen allele CA382515810.

ClinVar aggregate classification (germline): Uncertain significance. Review status: criteria provided, multiple submitters, no conflicts (2 of 4 stars). 2 submissions from 2 submitters: Uncertain significance (2). Last evaluated 2026-01-25.

Submissions (2):

Labcorp Genetics (formerly Invitae), Labcorp
Classification: Uncertain significance. Last evaluated: 2026-01-25. Review status: criteria provided, single submitter. Criteria: Invitae Variant Classification Sherloc (09022015). Collection method: clinical testing. Allele origin: germline.
Comment: This sequence change replaces serine, which is neutral and polar, with threonine, which is neutral and polar, at codon 422 of the NPAT protein (p.Ser422Thr). This variant is not present in population databases (gnomAD no frequency). This variant has not been reported in the literature in individuals affected with NPAT-related conditions. ClinVar contains an entry for this variant (Variation ID: 1764058). An algorithm developed to predict the effect of missense changes on protein structure and function outputs the following: PolyPhen-2: "Benign". The threonine amino acid residue is found in multiple mammalian species, which suggests that this missense change does not adversely affect protein function. In summary, the available evidence is currently insufficient to determine the role of this variant in disease. Therefore, it has been classified as a Variant of Uncertain Significance.

Ambry Genetics
Classification: Uncertain significance. Last evaluated: 2022-09-10. Review status: criteria provided, single submitter. Criteria: Ambry Variant Classification Scheme 2023. Collection method: clinical testing. Allele origin: germline.
Comment: The p.S422T variant (also known as c.1265G>C), located in coding exon 13 of the NPAT gene, results from a G to C substitution at nucleotide position 1265. The serine at codon 422 is replaced by threonine, an amino acid with similar properties. This amino acid position is conserved. In addition, this alteration is predicted to be tolerated by in silico analysis. Since supporting evidence is limited at this time, the clinical significance of this alteration remains unclear.